The following is an entry in ClinVar:

NM_001184900.3(CARD8):c.230G>C (p.Cys77Ser)

Gene: CARD8 (caspase recruitment domain family member 8; minus strand). Cytogenetic location: 19q13.33.
Variant type: single nucleotide variant.
Coding change: c.230G>C on transcript NM_001184900.3 (MANE Select); coding-DNA position 230, G replaced by C.
Protein change: p.Cys77Ser; replaces cysteine 77 with serine.
Molecular consequence: missense variant. On other transcripts: 5 prime UTR variant (6), non-coding transcript variant (4).
Genome position (GRCh38, 1-based): chr19:48,234,523, C>G on the plus strand (G>C on the coding strand, the complement: CARD8 is on the minus strand). VCF-style: chr19-48234523-C-G. GRCh37 (hg19) VCF-style: chr19-48737780-C-G.
Other names: c.80G>C, p.Cys27Ser (NM_001184901.1, NM_001351783.2, NM_001351788.2 and 2 more transcripts); c.230G>C, p.Cys77Ser (NM_001184902.2, NM_001184903.1, NM_001351782.2); c.-45G>C (NM_001351784.2, NM_001351787.2, NM_001351791.2 and 2 more transcripts); c.-259G>C (NM_001351786.2); c.28G>C, p.Val10Leu (NM_001351790.2); c.-552G>C (NM_001426741.1); short protein forms C27S, C77S, V10L.
Identifiers: ClinVar variation 2982569 (VCV002982569.3), dbSNP rs752629550, ClinGen allele CA9548115.

ClinVar aggregate classification (germline): Uncertain significance (1 of 4 stars; one submission).

Allele frequency attached by ClinVar (database versions not stated): ExAC 0.00001; gnomAD exomes 0.00001; TOPMed 0.00002; gnomAD 0.00003.
gnomAD v4.1: 22 of 1,613,338 alleles (0.0014%); highest among the groups gnomAD compares: Non-Finnish European, 0.0017%; no homozygotes.

Submission:

Labcorp Genetics (formerly Invitae), Labcorp
Classification: Uncertain significance. Last evaluated: 2025-01-21. Review status: criteria provided, single submitter. Criteria: Invitae Variant Classification Sherloc (09022015). Collection method: clinical testing. Allele origin: germline.
Comment: This sequence change replaces cysteine, which is neutral and slightly polar, with serine, which is neutral and polar, at codon 27 of the CARD8 protein (p.Cys27Ser). This variant is present in population databases (rs752629550, gnomAD 0.0009%). This variant has not been reported in the literature in individuals affected with CARD8-related conditions. ClinVar contains an entry for this variant (Variation ID: 2982569). An algorithm developed to predict the effect of missense changes on protein structure and function outputs the following: PolyPhen-2: "Benign". The serine amino acid residue is found in multiple mammalian species, which suggests that this missense change does not adversely affect protein function. In summary, the available evidence is currently insufficient to determine the role of this variant in disease. Therefore, it has been classified as a Variant of Uncertain Significance.